The following is an entry in ClinVar:

ClinVar aggregate classification (germline): Likely pathogenic (1 of 4 stars; one submission).

Conditions:
Neuronal ceroid lipofuscinosis 3 (CLN3). Identifiers: Orphanet 228346, MedGen C0751383, MONDO:0008767, OMIM 204200.

Submission:

Kariminejad - Najmabadi Pathology & Genetics Center
Classification: Likely pathogenic for Neuronal ceroid lipofuscinosis 3. Last evaluated: 2024-07-14. Review status: criteria provided, single submitter. Criteria: ACMG Guidelines, 2015. Collection method: clinical testing. Allele origin: germline. Inheritance: Autosomal recessive inheritance. Affected: yes.
Comment: PVS1-VERY STRONG- PM2

NM_001042432.2(CLN3):c.678-2A>C

Gene: CLN3 (CLN3 lysosomal/endosomal transmembrane protein, battenin; minus strand). Cytogenetic location: 16p12.1.
Variant type: single nucleotide variant.
Coding change: c.678-2A>C on transcript NM_001042432.2 (MANE Select); the canonical splice acceptor site of the intron before coding-DNA position 678, A replaced by C.
Molecular consequence: splice acceptor variant.
Genome position (GRCh38, 1-based): chr16:28,484,120, T>G on the plus strand (A>C on the coding strand, the complement: CLN3 is on the minus strand). VCF-style: chr16-28484120-T-G. GRCh37 (hg19) VCF-style: chr16-28495441-T-G.
Other names: c.444-2A>C (NM_001286109.2); c.606-2A>C (NM_001286104.2); c.378-2A>C (NM_001286105.2); c.516-2A>C (NM_001286110.2); c.678-2A>C (NM_000086.2).
Identifiers: ClinVar variation 3896816 (VCV003896816.1).
Genomic context (GRCh38, chr16:28,484,120, plus strand): 5'-CTGCTTCTTCTTCCCCTCCAGGGTCCTGGGCCTCAGGAGATGTGAGCAACAAGAAATAGC[T>G]AGGAGTAGGATGAAGGCAGGGTCAGAAAACCCTACTGGCTGGGAAGGTCCCCAGGGACCA-3'